The following is an entry in ClinVar:

NM_024928.5(STN1):c.917G>A (p.Arg306Gln)

Gene: STN1 (STN1 subunit of CST complex; minus strand). Cytogenetic location: 10q24.33.
Variant type: single nucleotide variant.
Coding change: c.917G>A on transcript NM_024928.5 (MANE Select); coding-DNA position 917, G replaced by A.
Protein change: p.Arg306Gln; replaces arginine 306 with glutamine.
Molecular consequence: missense variant.
Genome position (GRCh38, 1-based): chr10:103,889,104, C>T on the plus strand (G>A on the coding strand, the complement: STN1 is on the minus strand). VCF-style: chr10-103889104-C-T. GRCh37 (hg19) VCF-style: chr10-105648862-C-T.
Other names: short protein forms R306Q.
Identifiers: ClinVar variation 1484932 (VCV001484932.8), dbSNP rs745579048, ClinGen allele CA5676464.

ClinVar aggregate classification (germline): Uncertain significance (1 of 4 stars; one submission).

Allele frequency attached by ClinVar (database versions not stated): gnomAD exomes below 0.00001; ExAC 0.00001; gnomAD 0.00001.

Submission:

Labcorp Genetics (formerly Invitae), Labcorp
Classification: Uncertain significance. Last evaluated: 2026-01-22. Review status: criteria provided, single submitter. Criteria: Invitae Variant Classification Sherloc (09022015). Collection method: clinical testing. Allele origin: germline.
Comment: This sequence change replaces arginine, which is basic and polar, with glutamine, which is neutral and polar, at codon 306 of the STN1 protein (p.Arg306Gln). This variant is present in population databases (rs745579048, gnomAD 0.007%). This variant has not been reported in the literature in individuals affected with STN1-related conditions. ClinVar contains an entry for this variant (Variation ID: 1484932). Invitae Evidence Modeling of protein sequence and biophysical properties (such as structural, functional, and spatial information, amino acid conservation, physicochemical variation, residue mobility, and thermodynamic stability) indicates that this missense variant is not expected to disrupt STN1 protein function with a negative predictive value of 80%. In summary, the available evidence is currently insufficient to determine the role of this variant in disease. Therefore, it has been classified as a Variant of Uncertain Significance.